The following is an entry in ClinVar:

ClinVar aggregate classification (germline): Uncertain significance. Review status: criteria provided, multiple submitters, no conflicts (2 of 4 stars). 2 submissions from 2 submitters: Uncertain significance (2). Last evaluated 2024-11-26.

Conditions:
NPHP3-related Meckel-like syndrome. Also called: GOLDSTON SYNDROME; Meckel syndrome type 7. Identifiers: Orphanet 3032, MedGen C2673885, MONDO:0009966, OMIM 267010.
Renal-hepatic-pancreatic dysplasia 1 (RHPD1). Identifiers: MedGen C3715199, MONDO:0008833, OMIM 208540.
Nephronophthisis 3 (NPHP3). Also called: Adolescent nephronophthisis. Identifiers: Orphanet 655, MedGen C1858392, MONDO:0011456, OMIM 604387.

Submissions (2):

GeneDx
Classification: Uncertain significance. Last evaluated: 2024-11-26. Review status: criteria provided, single submitter. Criteria: GeneDx Variant Classification Process June 2021. Collection method: clinical testing. Allele origin: germline. Affected: yes.
Comment: Not observed at significant frequency in large population cohorts (gnomAD); In silico analysis indicates that this missense variant does not alter protein structure/function; Has not been previously published as pathogenic or benign to our knowledge

Fulgent Genetics
Classification: Uncertain significance for Renal-hepatic-pancreatic dysplasia 1; NPHP3-related Meckel-like syndrome; Nephronophthisis 3. Last evaluated: 2024-05-06. Review status: criteria provided, single submitter. Criteria: ACMG Guidelines, 2015. Collection method: clinical testing. Allele origin: germline.

NM_153240.5(NPHP3):c.2867T>C (p.Leu956Pro)

Genes: NPHP3 (nephrocystin 3; minus strand), NPHP3-ACAD11 (NPHP3-ACAD11 readthrough (NMD candidate); minus strand). Cytogenetic location: 3q22.1.
Variant type: single nucleotide variant.
Coding change: c.2867T>C on transcript NM_153240.5 (MANE Select); coding-DNA position 2867, T replaced by C.
Protein change: p.Leu956Pro; replaces leucine 956 with proline.
Molecular consequence: missense variant. On other transcripts: non-coding transcript variant (1).
Genome position (GRCh38, 1-based): chr3:132,689,090, A>G on the plus strand (T>C on the coding strand, the complement: NPHP3 is on the minus strand). VCF-style: chr3-132689090-A-G. GRCh37 (hg19) VCF-style: chr3-132407934-A-G.
Other names: c.2867T>C (NM_153240.4); short protein forms L956P.
Identifiers: ClinVar variation 3588529 (VCV003588529.2).
Genomic context (GRCh38, chr3:132,689,090, plus strand): 5'-AAATCCCACCTGTCTCTGGCTTGCCATTGATCTGCTGAGCTTACCTGACTGAGAAGGCCT[A>G]GATCCTTGAGAAATCGCCCCAAGGTTTCATAAAGATCAGCTAAGCAACTCATGTTGTCCT-3'
Protein context (NP_694972.3, residues 946-966): YETLGRFLKD[Leu956Pro]GLLSQAIVPL